The following is an entry in ClinVar:

ClinVar aggregate classification (germline): Uncertain significance. Review status: criteria provided, multiple submitters, no conflicts (2 of 4 stars). 2 submissions from 2 submitters: Uncertain significance (2). Last evaluated 2021-05-18.

Conditions:
Spastic paraplegia. Identifiers: MedGen C0037772, HP:0001258.

Allele frequency attached by ClinVar (database versions not stated): ExAC 0.00001; TOPMed 0.00001; gnomAD 0.00002; ESP Exome Variant Server 0.00008.
gnomAD v4.1: 4 of 1,613,800 alleles (0.00025%); highest among the groups gnomAD compares: African/African-American, 0.004%; no homozygotes.

Submissions (2):

Labcorp Genetics (formerly Invitae), Labcorp
Classification: Uncertain significance for Spastic paraplegia. Last evaluated: 2021-05-18. Review status: criteria provided, single submitter. Criteria: Invitae Variant Classification Sherloc (09022015). Collection method: clinical testing. Allele origin: germline.
Comment: Algorithms developed to predict the effect of sequence changes on RNA splicing suggest that this variant may create or strengthen a splice site, but this prediction has not been confirmed by published transcriptional studies. In summary, the available evidence is currently insufficient to determine the role of this variant in disease. Therefore, it has been classified as a Variant of Uncertain Significance. Algorithms developed to predict the effect of missense changes on protein structure and function (SIFT, PolyPhen-2, Align-GVGD) all suggest that this variant is likely to be tolerated, but these predictions have not been confirmed by published functional studies and their clinical significance is uncertain. This variant has not been reported in the literature in individuals with VAMP1-related conditions. This variant is present in population databases (rs375340840, ExAC 0.01%). This sequence change replaces alanine with glycine at codon 9 of the VAMP1 protein (p.Ala9Gly). The alanine residue is moderately conserved and there is a small physicochemical difference between alanine and glycine.

GeneDx
Classification: Uncertain significance. Last evaluated: 2021-04-22. Review status: criteria provided, single submitter. Criteria: GeneDx Variant Classification Process June 2021. Collection method: clinical testing. Allele origin: germline. Affected: yes.
Comment: Not observed in large population cohorts (Lek et al., 2016); In silico analysis supports that this missense variant does not alter protein structure/function; Has not been previously published as pathogenic or benign to our knowledge

NM_014231.5(VAMP1):c.26C>G (p.Ala9Gly)

Genes: TAPBPL (TAP binding protein like; plus strand), VAMP1 (vesicle associated membrane protein 1; minus strand). Cytogenetic location: 12p13.31.
Variant type: single nucleotide variant.
Coding change: c.26C>G on transcript NM_014231.5 (MANE Select); coding-DNA position 26, C replaced by G.
Protein change: p.Ala9Gly; replaces alanine 9 with glycine.
Molecular consequence: missense variant.
Genome position (GRCh38, 1-based): chr12:6,466,328, G>C on the plus strand (C>G on the coding strand, the complement: VAMP1 is on the minus strand). VCF-style: chr12-6466328-G-C. GRCh37 (hg19) VCF-style: chr12-6575494-G-C.
Other names: c.26C>G, p.Ala9Gly (NM_001297438.2, NM_016830.4, NM_199245.3); short protein forms A9G.
Identifiers: ClinVar variation 1314733 (VCV001314733.9), dbSNP rs375340840, ClinGen allele CA6407728.